The following is an entry in ClinVar:

NM_000426.4(LAMA2):c.1513T>C (p.Phe505Leu)

Gene: LAMA2 (laminin subunit alpha 2; plus strand). Cytogenetic location: 6q22.33.
Variant type: single nucleotide variant.
Coding change: c.1513T>C on transcript NM_000426.4 (MANE Select); coding-DNA position 1513, T replaced by C.
Protein change: p.Phe505Leu; replaces phenylalanine 505 with leucine.
Molecular consequence: missense variant.
Genome position (GRCh38, 1-based): chr6:129,190,250, T>C. VCF-style: chr6-129190250-T-C. GRCh37 (hg19) VCF-style: chr6-129511395-T-C.
Other names: c.1513T>C, p.Phe505Leu (NM_001079823.2); short protein forms F505L.
Identifiers: ClinVar variation 940384 (VCV000940384.4), dbSNP rs756343242, ClinGen allele CA3992641.

ClinVar aggregate classification (germline): Uncertain significance (1 of 4 stars; one submission).

Conditions:
LAMA2-related muscular dystrophy (LAMA2-RD). Also called: Laminin alpha 2-related dystrophy. Identifiers: MedGen C5679788, MONDO:0100228.

Allele frequency attached by ClinVar (database versions not stated): gnomAD exomes below 0.00001; ExAC 0.00001; gnomAD 0.00002; TOPMed 0.00003.
gnomAD v4.1: 6 of 1,613,624 alleles (0.00037%); highest among the groups gnomAD compares: African/African-American, 0.0067%; no homozygotes.

Submission:

Labcorp Genetics (formerly Invitae), Labcorp
Classification: Uncertain significance for LAMA2-related muscular dystrophy. Last evaluated: 2022-05-15. Review status: criteria provided, single submitter. Criteria: Invitae Variant Classification Sherloc (09022015). Collection method: clinical testing. Allele origin: germline.
Comment: This sequence change replaces phenylalanine, which is neutral and non-polar, with leucine, which is neutral and non-polar, at codon 505 of the LAMA2 protein (p.Phe505Leu). This variant is present in population databases (rs756343242, gnomAD 0.007%). This variant has not been reported in the literature in individuals affected with LAMA2-related conditions. ClinVar contains an entry for this variant (Variation ID: 940384). Advanced modeling of protein sequence and biophysical properties (such as structural, functional, and spatial information, amino acid conservation, physicochemical variation, residue mobility, and thermodynamic stability) performed at Invitae indicates that this missense variant is not expected to disrupt LAMA2 protein function. In summary, the available evidence is currently insufficient to determine the role of this variant in disease. Therefore, it has been classified as a Variant of Uncertain Significance.